The following is an entry in ClinVar:

NM_005244.5(EYA2):c.537C>T (p.Gly179=)

Gene: EYA2 (EYA transcriptional coactivator and phosphatase 2; plus strand). Cytogenetic location: 20q13.12.
Variant type: single nucleotide variant.
Coding change: c.537C>T on transcript NM_005244.5 (MANE Select); coding-DNA position 537, C replaced by T.
Protein change: p.Gly179=; no amino-acid change (glycine 179 retained).
Molecular consequence: synonymous variant.
Genome position (GRCh38, 1-based): chr20:47,074,211, C>T. VCF-style: chr20-47074211-C-T. GRCh37 (hg19) VCF-style: chr20-45702850-C-T.
Other names: c.537C>T, p.Gly179= (NM_172110.4).
Identifiers: ClinVar variation 2652372 (VCV002652372.24), dbSNP rs370935322, ClinGen allele CA510826022.
Genomic context (GRCh38, chr20:47,074,211, plus strand): 5'-TTCCCAGGACTATCCTTCCTACCCCGGCTTCCCCCAGAGCCAGTACCCCCAGTATTACGG[C>T]TCATCCTACAACCCTCCCTACGTCCCGGCCAGCAGCATCTGCCCTTCGCCCCTCTCCACG-3'
Protein context (NP_005235.3, residues 169-189): FPQSQYPQYY[Gly179=]SSYNPPYVPA

ClinVar aggregate classification (germline): Likely benign (1 of 4 stars; one submission).

gnomAD v4.1: 11 of 1,614,092 alleles (0.00068%); highest among the groups gnomAD compares: Middle Eastern, 0.049%; no homozygotes.

Submission:

CeGaT Center for Human Genetics Tuebingen
Classification: Likely benign. Last evaluated: 2022-07-01. Review status: criteria provided, single submitter. Criteria: CeGaT Center For Human Genetics Tuebingen Variant Classification Criteria Version 2. Collection method: clinical testing. Allele origin: germline. Affected: yes. Observed: 1 variant allele.
Comment: EYA2: BP4, BP7